The following is an entry in ClinVar:

ClinVar aggregate classification (germline): Uncertain significance (1 of 4 stars; one submission).

gnomAD v4.1: 1 of 1,575,814 alleles (0.000063%); highest among the groups gnomAD compares: Non-Finnish European, 0.000086%; no homozygotes.

Submission:

Labcorp Genetics (formerly Invitae), Labcorp
Classification: Uncertain significance. Last evaluated: 2025-05-13. Review status: criteria provided, single submitter. Criteria: Invitae Variant Classification Sherloc (09022015). Collection method: clinical testing. Allele origin: germline.
Comment: This sequence change replaces histidine, which is basic and polar, with asparagine, which is neutral and polar, at codon 493 of the KIF11 protein (p.His493Asn). This variant is not present in population databases (gnomAD no frequency). This variant has not been reported in the literature in individuals affected with KIF11-related conditions. Invitae Evidence Modeling of protein sequence and biophysical properties (such as structural, functional, and spatial information, amino acid conservation, physicochemical variation, residue mobility, and thermodynamic stability) indicates that this missense variant is not expected to disrupt KIF11 protein function with a negative predictive value of 95%. In summary, the available evidence is currently insufficient to determine the role of this variant in disease. Therefore, it has been classified as a Variant of Uncertain Significance.

NM_004523.4(KIF11):c.1477C>A (p.His493Asn)

Gene: KIF11 (kinesin family member 11; plus strand). Cytogenetic location: 10q23.33.
Variant type: single nucleotide variant.
Coding change: c.1477C>A on transcript NM_004523.4 (MANE Select); coding-DNA position 1477, C replaced by A.
Protein change: p.His493Asn; replaces histidine 493 with asparagine.
Molecular consequence: missense variant.
Genome position (GRCh38, 1-based): chr10:92,630,347, C>A. VCF-style: chr10-92630347-C-A. GRCh37 (hg19) VCF-style: chr10-94390104-C-A.
Other names: short protein forms H493N.
Identifiers: ClinVar variation 4709677 (VCV004709677.1).